The following is an entry in ClinVar:

ClinVar aggregate classification (germline): Pathogenic/Likely pathogenic. Review status: criteria provided, multiple submitters, no conflicts (2 of 4 stars). 2 submissions from 2 submitters: Pathogenic (1); Likely pathogenic (1). Last evaluated 2023-11-28.

Conditions:
McKusick-Kaufman syndrome (MKKS). Also called: HYDROMETROCOLPOS SYNDROME; HYDROMETROCOLPOS, POSTAXIAL POLYDACTYLY, AND CONGENITAL HEART MALFORMATION. Identifiers: Orphanet 2473, MedGen C0948368, MONDO:0009367, OMIM 236700.
Bardet-Biedl syndrome (BBS). Identifiers: Orphanet 110, MedGen C0752166, MONDO:0015229.
Bardet-Biedl syndrome 6 (BBS6). Identifiers: Orphanet 110, MedGen C1858054, MONDO:0011523, OMIM 605231.

Submissions (2):

Labcorp Genetics (formerly Invitae), Labcorp
Classification: Pathogenic for McKusick-Kaufman syndrome; Bardet-Biedl syndrome. Last evaluated: 2023-11-28. Review status: criteria provided, single submitter. Criteria: Invitae Variant Classification Sherloc (09022015). Collection method: clinical testing. Allele origin: germline.
Comment: This sequence change creates a premature translational stop signal (p.Asp314Glnfs*12) in the MKKS gene. It is expected to result in an absent or disrupted protein product. Loss-of-function variants in MKKS are known to be pathogenic (PMID: 11179009, 28761321, 30614526). This variant is not present in population databases (gnomAD no frequency). This variant has not been reported in the literature in individuals affected with MKKS-related conditions. ClinVar contains an entry for this variant (Variation ID: 1431638). Algorithms developed to predict the effect of sequence changes on RNA splicing suggest that this variant may disrupt the consensus splice site. For these reasons, this variant has been classified as Pathogenic.

Baylor Genetics
Classification: Likely pathogenic for Bardet-Biedl syndrome 6. Last evaluated: 2023-10-17. Review status: criteria provided, single submitter. Criteria: ACMG Guidelines, 2015. Collection method: clinical testing. Allele origin: unknown.

Literature cited by the submitters: PubMed 11179009 (cited by Labcorp Genetics (formerly Invitae), Labcorp); PubMed 28761321 (cited by Labcorp Genetics (formerly Invitae), Labcorp); PubMed 30614526 (cited by Labcorp Genetics (formerly Invitae), Labcorp).

NM_170784.3(MKKS):c.940_941del (p.Asp314fs)

Gene: MKKS (MKKS centrosomal shuttling protein; minus strand). Cytogenetic location: 20p12.2.
Variant type: Deletion.
Coding change: c.940_941del on transcript NM_170784.3 (MANE Select); coding-DNA positions 940 to 941, 2 bases deleted (GA; older notation c.940_941delGA).
Protein change: p.Asp314fs; shifts the reading frame from aspartic acid 314.
Molecular consequence: frameshift variant.
Genome position (GRCh38, 1-based): chr20:10,412,574-10,412,575, TC deleted on the plus strand (GA on the coding strand, the reverse complement: MKKS is on the minus strand); deleting any 2 consecutive bases within chr20:10,412,574-10,412,576 gives the same sequence; the c. name uses the placement nearest the transcript's 3' end. VCF-style (leftmost placement, unchanged base first): chr20-10412573-GTC-G. GRCh37 (hg19) VCF-style: chr20-10393221-GTC-G.
Other names: c.940_941del, p.Asp314fs (NM_018848.3); short protein forms D314fs.
Identifiers: ClinVar variation 1431638 (VCV001431638.7), dbSNP rs2064897670, ClinGen allele CA2349780718.
Genomic context (GRCh38, chr20:10,412,573, plus strand): 5'-CAAAGAGTGATTTTTACCTGTCATTTTAGTCAGGGGTTCCATCAGAGTCACTCCAATTCT[GTC>G]TATGGCAATAATACGATGCATATTGAGAAACTGCTTCAAAGATGGATGTATAACTTTTTG-3'